The following is an entry in ClinVar:

ClinVar aggregate classification (germline): Uncertain significance (1 of 4 stars; one submission).

Conditions:
B-cell immunodeficiency, distal limb anomalies, and urogenital malformations. Also called: HOFFMAN SYNDROME; BILU SYNDROME. Identifiers: Orphanet 567502, MedGen C1836437, MONDO:0012243, OMIM 609296.

Submission:

Neuberg Centre For Genomic Medicine, NCGM
Classification: Uncertain significance for B-cell immunodeficiency, distal limb anomalies, and urogenital malformations. Last evaluated: 2023-05-20. Review status: criteria provided, single submitter. Criteria: ACMG Guidelines, 2015. Collection method: clinical testing. Allele origin: germline. Inheritance: Autosomal dominant inheritance. Affected: yes.
Comment: The missense variant c.4151A>C (p.Asp1384Ala) in the TOP2B gene has not been reported previously as a pathogenic variant nor as a benign variant, to our knowledge. This variant is absent in the gnomAD Exomes. The amino acid Asparagine at position 1384 is changed to a Alanine changing protein sequence and it might alter its composition and physico-chemical properties. Multiple lines of computational evidence (Polyphen, SIFT and MutationTaster) predict no damaging effect on protein structure and function for this variant. The amino acid change p.Asp1384Ala in TOP2B is predicted as conserved by GERP++ and PhyloP across 100 vertebrates. For these reasons, this variant has been classified as Uncertain Significance.

NM_001330700.2(TOP2B):c.4151A>C (p.Asp1384Ala)

Gene: TOP2B (DNA topoisomerase II beta; minus strand). Cytogenetic location: 3p24.2.
Variant type: single nucleotide variant.
Coding change: c.4151A>C on transcript NM_001330700.2 (MANE Select); coding-DNA position 4151, A replaced by C.
Protein change: p.Asp1384Ala; replaces aspartic acid 1384 with alanine.
Molecular consequence: missense variant.
Genome position (GRCh38, 1-based): chr3:25,607,318, T>G on the plus strand (A>C on the coding strand, the complement: TOP2B is on the minus strand). VCF-style: chr3-25607318-T-G. GRCh37 (hg19) VCF-style: chr3-25648809-T-G.
Other names: c.4136A>C, p.Asp1379Ala (NM_001068.3); short protein forms D1379A, D1384A.
Identifiers: ClinVar variation 3341496 (VCV003341496.1).